The following is an entry in ClinVar:

NM_005896.4(IDH1):c.973A>G (p.Thr325Ala)

Gene: IDH1 (isocitrate dehydrogenase (NADP(+)) 1; minus strand). Cytogenetic location: 2q34.
Variant type: single nucleotide variant.
Coding change: c.973A>G on transcript NM_005896.4 (MANE Select); coding-DNA position 973, A replaced by G.
Protein change: p.Thr325Ala; replaces threonine 325 with alanine.
Molecular consequence: missense variant.
Genome position (GRCh38, 1-based): chr2:208,239,881, T>C on the plus strand (A>G on the coding strand, the complement: IDH1 is on the minus strand). VCF-style: chr2-208239881-T-C. GRCh37 (hg19) VCF-style: chr2-209104605-T-C.
Other names: c.973A>G, p.Thr325Ala (NM_001282386.1, NM_001282387.1); short protein forms T325A.
Identifiers: ClinVar variation 1768038 (VCV001768038.3), dbSNP rs940962759, ClinGen allele CA64582413.

ClinVar aggregate classification (germline): Uncertain significance (1 of 4 stars; one submission).

Allele frequency attached by ClinVar (database versions not stated): TOPMed below 0.00001.

Submission:

Ambry Genetics
Classification: Uncertain significance. Last evaluated: 2024-07-02. Review status: criteria provided, single submitter. Criteria: Ambry Variant Classification Scheme 2023. Collection method: clinical testing. Allele origin: germline.
Comment: The p.T325A variant (also known as c.973A>G), located in coding exon 6 of the IDH1 gene, results from an A to G substitution at nucleotide position 973. The threonine at codon 325 is replaced by alanine, an amino acid with similar properties. This amino acid position is conserved. In addition, the in silico prediction for this alteration is inconclusive. Since supporting evidence is limited at this time, the clinical significance of this alteration remains unclear.